The following is an entry in ClinVar:

NM_006311.4(NCOR1):c.5076G>A (p.Pro1692=)

Gene: NCOR1 (nuclear receptor corepressor 1; minus strand). Cytogenetic location: 17p12.
Variant type: single nucleotide variant.
Coding change: c.5076G>A on transcript NM_006311.4 (MANE Select); coding-DNA position 5076, G replaced by A.
Protein change: p.Pro1692=; no amino-acid change (proline 1692 retained).
Molecular consequence: synonymous variant.
Genome position (GRCh38, 1-based): chr17:16,064,895, C>T on the plus strand (G>A on the coding strand, the complement: NCOR1 is on the minus strand). VCF-style: chr17-16064895-C-T. GRCh37 (hg19) VCF-style: chr17-15968209-C-T.
Other names: c.5124G>A, p.Pro1708= (NM_001190440.2).
Identifiers: ClinVar variation 3038963 (VCV003038963.2), dbSNP rs377698372, ClinGen allele CA8408377.
Genomic context (GRCh38, chr17:16,064,895, plus strand): 5'-TTCTATTAGAGAGGTGTGTAACTGTACAATCTCACCTGGAGACATGGAAGCAGAGTTGTA[C>T]GGCCTGGGAGGGAAAGTAATCTGTGTACCAGGAATATAAGTGATTCTGTCCATGGGAGGA-3'
Protein context (NP_006302.2, residues 1682-1702): PGTQITFPPR[Pro1692=]YNSASMSPGH

ClinVar aggregate classification (germline): Likely benign (0 of 4 stars; one submission).

Conditions:
NCOR1-related disorder. Also called: NCOR1-related condition.

Allele frequency attached by ClinVar (database versions not stated): ESP Exome Variant Server 0.00008.
gnomAD v4.1: 525 of 1,611,790 alleles (0.033%); highest among the groups gnomAD compares: South Asian, 0.083%; 1 homozygote.

Submission:

PreventionGenetics, part of Exact Sciences
Classification: Likely benign for NCOR1-related condition. Last evaluated: 2019-05-28. Review status: no assertion criteria provided. Collection method: clinical testing. Allele origin: germline.
Comment: This variant is classified as likely benign based on ACMG/AMP sequence variant interpretation guidelines (Richards et al. 2015 PMID: 25741868, with internal and published modifications).